The following is an entry in ClinVar:

ClinVar aggregate classification (germline): Uncertain significance (1 of 4 stars; one submission).

Conditions:
Emery-Dreifuss muscular dystrophy 5, autosomal dominant (EDMD5). Also called: EMERY-DREIFUSS MUSCULAR DYSTROPHY 5. Identifiers: Orphanet 261, MedGen C2751805, MONDO:0013072, OMIM 612999.

Submission:

Labcorp Genetics (formerly Invitae), Labcorp
Classification: Uncertain significance for Emery-Dreifuss muscular dystrophy 5, autosomal dominant. Last evaluated: 2017-06-06. Review status: criteria provided, single submitter. Criteria: Invitae Variant Classification Sherloc (09022015). Collection method: clinical testing. Allele origin: germline.
Comment: This sequence change replaces glycine with aspartic acid at codon 6437 of the SYNE2 protein (p.Gly6437Asp). The glycine residue is weakly conserved and there is a moderate physicochemical difference between glycine and aspartic acid. This variant is not present in population databases (ExAC no frequency). This variant has not been reported in the literature in individuals with a SYNE2-related disease. Algorithms developed to predict the effect of missense changes on protein structure and function do not agree on the potential impact of this missense change (SIFT: "Tolerated"; PolyPhen-2: "Probably Damaging"; Align-GVGD: "Class C0"). In summary, this variant has uncertain impact on SYNE2 function. The available evidence is currently insufficient to determine its role in disease. Therefore, it has been classified as a Variant of Uncertain Significance.

NM_182914.3(SYNE2):c.19310G>A (p.Gly6437Asp)

Gene: SYNE2 (spectrin repeat containing nuclear envelope protein 2; plus strand). Cytogenetic location: 14q23.2.
Variant type: single nucleotide variant.
Coding change: c.19310G>A on transcript NM_182914.3 (MANE Select); coding-DNA position 19310, G replaced by A.
Protein change: p.Gly6437Asp; replaces glycine 6437 with aspartic acid.
Molecular consequence: missense variant.
Genome position (GRCh38, 1-based): chr14:64,214,447, G>A. VCF-style: chr14-64214447-G-A. GRCh37 (hg19) VCF-style: chr14-64681165-G-A.
Other names: c.19310G>A, p.Gly6437Asp (NM_015180.6); c.212G>A, p.Gly71Asp (NM_182913.4); short protein forms G6437D, G71D.
Identifiers: ClinVar variation 470958 (VCV000470958.8), dbSNP rs1555551887, ClinGen allele CA389957207.